The following is an entry in ClinVar:

NM_001130987.2(DYSF):c.4033C>T (p.Pro1345Ser)

Gene: DYSF (dysferlin; plus strand). Cytogenetic location: 2p13.2.
Variant type: single nucleotide variant.
Coding change: c.4033C>T on transcript NM_001130987.2 (MANE Select); coding-DNA position 4033, C replaced by T.
Protein change: p.Pro1345Ser; replaces proline 1345 with serine.
Molecular consequence: missense variant.
Genome position (GRCh38, 1-based): chr2:71,611,320, C>T. VCF-style: chr2-71611320-C-T. GRCh37 (hg19) VCF-style: chr2-71838450-C-T.
Other names: c.3982C>T, p.Pro1328Ser (NM_001130455.2, NM_001130983.2); c.3937C>T, p.Pro1313Ser (NM_001130976.2, NM_001130977.2); c.3979C>T, p.Pro1327Ser (NM_001130978.2, NM_003494.4); c.4072C>T, p.Pro1358Ser (NM_001130979.2); c.4030C>T, p.Pro1344Ser (NM_001130980.2, NM_001130981.2); c.4075C>T, p.Pro1359Ser (NM_001130982.2); c.3940C>T, p.Pro1314Ser (NM_001130984.2, NM_001130986.2); c.4033C>T, p.Pro1345Ser (NM_001130985.2); short protein forms P1328S, P1344S, P1358S, P1327S, P1313S, P1314S, P1345S, P1359S.
Identifiers: ClinVar variation 1369806 (VCV001369806.8), dbSNP rs1253155257, ClinGen allele CA347228321.

ClinVar aggregate classification (germline): Uncertain significance (1 of 4 stars; one submission).

Conditions:
Neuromuscular disease caused by qualitative or quantitative defects of dysferlin. Also called: Dysferlinopathy; Qualitative or quantitative defects of dysferlin. Identifiers: Orphanet 207073, MedGen C2931687, MONDO:0016145.

Allele frequency attached by ClinVar (database versions not stated): gnomAD exomes below 0.00001; gnomAD 0.00001.
gnomAD v4.1: 2 of 1,613,868 alleles (0.00012%); highest among the groups gnomAD compares: Admixed American, 0.0033%; no homozygotes.

Submission:

Labcorp Genetics (formerly Invitae), Labcorp
Classification: Uncertain significance for Neuromuscular disease caused by qualitative or quantitative defects of dysferlin. Last evaluated: 2022-09-27. Review status: criteria provided, single submitter. Criteria: Invitae Variant Classification Sherloc (09022015). Collection method: clinical testing. Allele origin: germline.
Comment: ClinVar contains an entry for this variant (Variation ID: 1369806). In summary, the available evidence is currently insufficient to determine the role of this variant in disease. Therefore, it has been classified as a Variant of Uncertain Significance. Advanced modeling of protein sequence and biophysical properties (such as structural, functional, and spatial information, amino acid conservation, physicochemical variation, residue mobility, and thermodynamic stability) performed at Invitae indicates that this missense variant is expected to disrupt DYSF protein function. This variant has not been reported in the literature in individuals affected with DYSF-related conditions. This variant is present in population databases (no rsID available, gnomAD 0.003%). This sequence change replaces proline, which is neutral and non-polar, with serine, which is neutral and polar, at codon 1327 of the DYSF protein (p.Pro1327Ser).